The following is an entry in ClinVar:

NM_016203.4(PRKAG2):c.1091T>C (p.Ile364Thr)

Gene: PRKAG2 (protein kinase AMP-activated non-catalytic subunit gamma 2; minus strand). Cytogenetic location: 7q36.1.
Variant type: single nucleotide variant.
Coding change: c.1091T>C on transcript NM_016203.4 (MANE Select); coding-DNA position 1091, T replaced by C.
Protein change: p.Ile364Thr; replaces isoleucine 364 with threonine.
Molecular consequence: missense variant.
Genome position (GRCh38, 1-based): chr7:151,570,186, A>G on the plus strand (T>C on the coding strand, the complement: PRKAG2 is on the minus strand). VCF-style: chr7-151570186-A-G. GRCh37 (hg19) VCF-style: chr7-151267272-A-G.
Other names: c.959T>C, p.Ile320Thr (NM_001040633.2, NM_001407024.1); c.716T>C, p.Ile239Thr (NM_001304527.2, NM_001407029.1); c.368T>C, p.Ile123Thr (NM_001304531.2, NM_001407034.1, NM_001407035.1 and 1 more transcripts); c.719T>C, p.Ile240Thr (NM_001363698.2, NM_001407028.1); c.1091T>C, p.Ile364Thr (NM_001407021.1); c.1088T>C, p.Ile363Thr (NM_001407022.1, NM_001407023.1); c.956T>C, p.Ile319Thr (NM_001407026.1, NM_001407027.1); c.803T>C, p.Ile268Thr (NM_001407030.1); and 6 more; short protein forms I122T, I123T, I139T, I143T, I239T, I240T, I256T, I258T.
Identifiers: ClinVar variation 4806520 (VCV004806520.1).

ClinVar aggregate classification (germline): Uncertain significance (1 of 4 stars; one submission).

Conditions:
Lethal congenital glycogen storage disease of heart. Also called: GLYCOGEN STORAGE DISEASE OF HEART; PHOSPHORYLASE KINASE DEFICIENCY OF HEART. Identifiers: Orphanet 439854, MedGen C1849813, MONDO:0009867, OMIM 261740.

Submission:

Labcorp Genetics (formerly Invitae), Labcorp
Classification: Uncertain significance for Lethal congenital glycogen storage disease of heart. Last evaluated: 2025-10-03. Review status: criteria provided, single submitter. Criteria: Invitae Variant Classification Sherloc (09022015). Collection method: clinical testing. Allele origin: germline.
Comment: This sequence change replaces isoleucine, which is neutral and non-polar, with threonine, which is neutral and polar, at codon 364 of the PRKAG2 protein (p.Ile364Thr). This variant is not present in population databases (gnomAD no frequency). This variant has not been reported in the literature in individuals affected with PRKAG2-related conditions. Invitae Evidence Modeling of protein sequence and biophysical properties (such as structural, functional, and spatial information, amino acid conservation, physicochemical variation, residue mobility, and thermodynamic stability) has been performed for this missense variant. However, the output from this modeling did not meet the statistical confidence thresholds required to predict the impact of this variant on PRKAG2 protein function. In summary, the available evidence is currently insufficient to determine the role of this variant in disease. Therefore, it has been classified as a Variant of Uncertain Significance.